The following is an entry in ClinVar:

NM_198994.3(TGM6):c.1318C>T (p.Leu440Phe)

Gene: TGM6 (transglutaminase 6; plus strand). Cytogenetic location: 20p13.
Variant type: single nucleotide variant.
Coding change: c.1318C>T on transcript NM_198994.3 (MANE Select); coding-DNA position 1318, C replaced by T.
Protein change: p.Leu440Phe; replaces leucine 440 with phenylalanine.
Molecular consequence: missense variant.
Genome position (GRCh38, 1-based): chr20:2,403,805, C>T. VCF-style: chr20-2403805-C-T. GRCh37 (hg19) VCF-style: chr20-2384451-C-T.
Other names: c.1318C>T, p.Leu440Phe (NM_001254734.2); c.1318C>T (NM_198994.2); short protein forms L440F.
Identifiers: ClinVar variation 1097685 (VCV001097685.14), dbSNP rs199802654, ClinGen allele CA9732042.

ClinVar aggregate classification (germline): Likely benign. Review status: criteria provided, multiple submitters, no conflicts (2 of 4 stars). 3 submissions from 3 submitters: Likely benign (3). Last evaluated 2026-01-01.

Allele frequency attached by ClinVar (database versions not stated): ExAC 0.00007; gnomAD exomes 0.00010 and 0.00028; ESP Exome Variant Server 0.00015; TOPMed 0.00019; gnomAD 0.00024 and 0.00026.
gnomAD v4.1: 474 of 1,614,036 alleles (0.029%); highest among the groups gnomAD compares: Non-Finnish European, 0.036%; no homozygotes.

Submissions (3):

CeGaT Center for Human Genetics Tuebingen
Classification: Likely benign. Last evaluated: 2026-01-01. Review status: criteria provided, single submitter. Criteria: CeGaT Center For Human Genetics Tuebingen Variant Classification Criteria Version 2. Collection method: clinical testing. Allele origin: germline. Affected: yes. Observed: 1 variant allele.
Comment: TGM6: BP4

Athena Diagnostics
Classification: Likely benign. Last evaluated: 2024-12-31. Review status: criteria provided, single submitter. Criteria: Athena Diagnostics Criteria. Collection method: clinical testing. Allele origin: unknown.
Comment: The frequency of this variant in the general population is higher than would generally be expected for pathogenic variants in this gene. Computational tools predict this amino acid change may be benign.

Labcorp Genetics (formerly Invitae), Labcorp
Classification: Likely benign. Last evaluated: 2023-06-29. Review status: criteria provided, single submitter. Criteria: Invitae Variant Classification Sherloc (09022015). Collection method: clinical testing. Allele origin: germline.

Literature cited by the submitters: PubMed 28892078 (cited by Athena Diagnostics).